The following is an entry in ClinVar:

ClinVar aggregate classification (germline): Likely benign. Review status: criteria provided, multiple submitters, no conflicts (2 of 4 stars). 3 submissions from 3 submitters: Likely benign (3). Last evaluated 2025-02-24.

Conditions:
Heterotopia, periventricular, X-linked dominant (PVNH1). Also called: X-linked periventricular heterotopia; PERIVENTRICULAR NODULAR HETEROTOPIA 1; PERIVENTRICULAR NODULAR HETEROTOPIA 4; HETEROTOPIA, PERIVENTRICULAR, 1. Identifiers: Orphanet 2149, Orphanet 82004, MedGen C1848213, MONDO:0010233, OMIM 300049.
Melnick-Needles syndrome (MNS). Also called: Melnick-Needles Syndrome (FLNA-MNS); MELNICK-NEEDLES OSTEODYSPLASTY; OSTEODYSPLASTY OF MELNICK AND NEEDLES. Identifiers: Orphanet 2484, MedGen C0025237, MONDO:0010650, OMIM 309350.
Frontometaphyseal dysplasia (FMD1). Identifiers: Orphanet 1826, MedGen C0265293, MONDO:0015942.
Oto-palato-digital syndrome, type II (OPD2). Also called: Otopalatodigital Syndrome, Type II; Otopalatodigital Syndrome Type 2 (FLNA-OPD2); FACIOPALATOOSSEOUS SYNDROME; OPD II SYNDROME. Identifiers: Orphanet 669, Orphanet 90652, MedGen C1844696, MONDO:0010571, OMIM 304120.
Familial thoracic aortic aneurysm and aortic dissection (TAAD). Also called: Thoracic aortic aneurysms and dissections. Identifiers: Orphanet 91387, MedGen C4707243, MONDO:0019625.

gnomAD v4.1: 3 of 1,208,567 alleles (0.00025%); highest among the groups gnomAD compares: Admixed American, 0.0043%; no homozygotes.

Submissions (3):

Labcorp Genetics (formerly Invitae), Labcorp
Classification: Likely benign for Oto-palato-digital syndrome, type II; Heterotopia, periventricular, X-linked dominant; Frontometaphyseal dysplasia; Melnick-Needles syndrome. Last evaluated: 2025-02-24. Review status: criteria provided, single submitter. Criteria: Invitae Variant Classification Sherloc (09022015). Collection method: clinical testing. Allele origin: germline.

CeGaT Center for Human Genetics Tuebingen
Classification: Likely benign. Last evaluated: 2023-12-01. Review status: criteria provided, single submitter. Criteria: CeGaT Center For Human Genetics Tuebingen Variant Classification Criteria Version 2. Collection method: clinical testing. Allele origin: germline. Affected: yes. Observed: 1 variant allele.
Comment: FLNA: BP4, BP7

Ambry Genetics
Classification: Likely benign for Familial thoracic aortic aneurysm and aortic dissection. Last evaluated: 2021-04-12. Review status: criteria provided, single submitter. Criteria: Ambry Variant Classification Scheme 2023. Collection method: clinical testing. Allele origin: germline.

NM_001110556.2(FLNA):c.3255C>G (p.Pro1085=)

Gene: FLNA (filamin A; minus strand). Cytogenetic location: Xq28.
Variant type: single nucleotide variant.
Coding change: c.3255C>G on transcript NM_001110556.2 (MANE Select); coding-DNA position 3255, C replaced by G.
Protein change: p.Pro1085=; no amino-acid change (proline 1085 retained).
Molecular consequence: synonymous variant.
Genome position (GRCh38, 1-based): chrX:154,360,540, G>C on the plus strand (C>G on the coding strand, the complement: FLNA is on the minus strand). VCF-style: chrX-154360540-G-C. GRCh37 (hg19) VCF-style: chrX-153588908-G-C.
Other names: c.3255C>G, p.Pro1085= (NM_001456.4).
Identifiers: ClinVar variation 702653 (VCV000702653.33), dbSNP rs782231907, ClinGen allele CA519707803.